The following is an entry in ClinVar:

NM_014714.4(IFT140):c.473G>A (p.Arg158Gln)

Genes: IFT140 (intraflagellar transport 140; minus strand), LOC105371046 (uncharacterized LOC105371046; plus strand). Cytogenetic location: 16p13.3.
Variant type: single nucleotide variant.
Coding change: c.473G>A on transcript NM_014714.4 (MANE Select); coding-DNA position 473, G replaced by A.
Protein change: p.Arg158Gln; replaces arginine 158 with glutamine.
Molecular consequence: missense variant.
Genome position (GRCh38, 1-based): chr16:1,592,485, C>T on the plus strand (G>A on the coding strand, the complement: IFT140 is on the minus strand). VCF-style: chr16-1592485-C-T. GRCh37 (hg19) VCF-style: chr16-1642486-C-T.
Other names: short protein forms R158Q.
Identifiers: ClinVar variation 2040244 (VCV002040244.2), dbSNP rs754243049, ClinGen allele CA7814698.
Genomic context (GRCh38, chr16:1,592,485, plus strand): 5'-TGTAAACACACACACAGGTCACAGGGCAAGCCCCACACTTACTCGCCAGGAGGGGGGAGC[C>T]GGAAGATGCAGTGCGTGAGGTGTTTCCCATACTCGTGTTTCAGCAGAGGCGTCCCTTGCA-3'
Protein context (NP_055529.2, residues 148-168): YGKHLTHCIF[Arg158Gln]LPPPGEDLVQ

ClinVar aggregate classification (germline): Uncertain significance (1 of 4 stars; one submission).

Conditions:
Saldino-Mainzer syndrome (SRTD9). Also called: CONORENAL SYNDROME; Renal dysplasia, retinal pigmentary dystrophy, cerebellar ataxia and skeletal dysplasia; SHORT-RIB THORACIC DYSPLASIA 9 WITHOUT POLYDACTYLY; short-rib thoracic dysplasia 9 with or without polydactyly. Identifiers: Orphanet 140969, MedGen C1849437, MONDO:0009964, OMIM 266920.

Allele frequency attached by ClinVar (database versions not stated): gnomAD 0.00001; gnomAD exomes 0.00001; ExAC 0.00002; TOPMed 0.00002.
gnomAD v4.1: 10 of 1,614,012 alleles (0.00062%); highest among the groups gnomAD compares: South Asian, 0.0011%; no homozygotes.

Submission:

Labcorp Genetics (formerly Invitae), Labcorp
Classification: Uncertain significance for Saldino-Mainzer syndrome. Last evaluated: 2022-05-03. Review status: criteria provided, single submitter. Criteria: Invitae Variant Classification Sherloc (09022015). Collection method: clinical testing. Allele origin: germline.
Comment: In summary, the available evidence is currently insufficient to determine the role of this variant in disease. Therefore, it has been classified as a Variant of Uncertain Significance. Algorithms developed to predict the effect of sequence changes on RNA splicing suggest that this variant may create or strengthen a splice site. Algorithms developed to predict the effect of missense changes on protein structure and function are either unavailable or do not agree on the potential impact of this missense change (SIFT: "Deleterious"; PolyPhen-2: "Benign"; Align-GVGD: "Class C0"). This variant has not been reported in the literature in individuals affected with IFT140-related conditions. This variant is present in population databases (rs754243049, gnomAD 0.002%). This sequence change replaces arginine, which is basic and polar, with glutamine, which is neutral and polar, at codon 158 of the IFT140 protein (p.Arg158Gln).